The following is an entry in ClinVar:

NM_016207.4(CPSF3):c.2010G>A (p.Glu670=)

Gene: CPSF3 (cleavage and polyadenylation specific factor 3; plus strand). Cytogenetic location: 2p25.1.
Variant type: single nucleotide variant.
Coding change: c.2010G>A on transcript NM_016207.4 (MANE Select); coding-DNA position 2010, G replaced by A.
Protein change: p.Glu670=; no amino-acid change (glutamic acid 670 retained).
Molecular consequence: synonymous variant.
Genome position (GRCh38, 1-based): chr2:9,472,972, G>A. VCF-style: chr2-9472972-G-A. GRCh37 (hg19) VCF-style: chr2-9613101-G-A.
Other names: c.1899G>A, p.Glu633= (NM_001321833.2, NM_001321834.2); c.1593G>A, p.Glu531= (NM_001321835.2); c.2022G>A, p.Glu674= (NM_001321836.2).
Identifiers: ClinVar variation 4822680 (VCV004822680.4).

ClinVar aggregate classification (germline): Likely benign (1 of 4 stars; one submission).

Submission:

CeGaT Center for Human Genetics Tuebingen
Classification: Likely benign. Last evaluated: 2026-02-01. Review status: criteria provided, single submitter. Criteria: CeGaT Center For Human Genetics Tuebingen Variant Classification Criteria Version 2. Collection method: clinical testing. Allele origin: germline. Affected: yes. Observed: 1 variant allele.
Comment: CPSF3: PM2:Supporting, BP4, BP7